The following is an entry in ClinVar:

ClinVar aggregate classification (germline): Likely benign (1 of 4 stars; one submission).

Allele frequency attached by ClinVar (database versions not stated): 1000 Genomes Project 30x 0.00250; 1000 Genomes Project 0.00280; TOPMed 0.00340; ESP Exome Variant Server 0.00523; gnomAD 0.00597; ExAC 0.00649; gnomAD exomes 0.00684.

Submission:

CeGaT Center for Human Genetics Tuebingen
Classification: Likely benign. Last evaluated: 2022-09-01. Review status: criteria provided, single submitter. Criteria: CeGaT Center For Human Genetics Tuebingen Variant Classification Criteria Version 2. Collection method: clinical testing. Allele origin: germline. Affected: yes. Observed: 1 variant allele.
Comment: C2orf49: BP4, BP7

NM_024093.3(TSLIG2):c.477T>C (p.Pro159=)

Gene: TSLIG2 (tRNA splicing ligase complex subunit 2; plus strand). Cytogenetic location: 2q12.2.
Variant type: single nucleotide variant.
Coding change: c.477T>C on transcript NM_024093.3 (MANE Select); coding-DNA position 477, T replaced by C.
Protein change: p.Pro159=; no amino-acid change (proline 159 retained).
Molecular consequence: synonymous variant. On other transcripts: intron variant (1).
Genome position (GRCh38, 1-based): chr2:105,343,058, T>C. VCF-style: chr2-105343058-T-C. GRCh37 (hg19) VCF-style: chr2-105959515-T-C.
Other names: c.394-43T>C (NM_001286537.2).
Identifiers: ClinVar variation 2651229 (VCV002651229.24), dbSNP rs138797707, ClinGen allele CA1814582.